The following is an entry in ClinVar:

NM_003070.5(SMARCA2):c.583G>C (p.Gly195Arg)

Gene: SMARCA2 (SWI/SNF related, matrix associated, actin dependent regulator of chromatin, subfamily a, member 2; plus strand). Cytogenetic location: 9p24.3.
Variant type: single nucleotide variant.
Coding change: c.583G>C on transcript NM_003070.5 (MANE Select); coding-DNA position 583, G replaced by C.
Protein change: p.Gly195Arg; replaces glycine 195 with arginine.
Molecular consequence: missense variant.
Genome position (GRCh38, 1-based): chr9:2,039,693, G>C. VCF-style: chr9-2039693-G-C. GRCh37 (hg19) VCF-style: chr9-2039693-G-C.
Other names: c.583G>C, p.Gly195Arg (NM_001289396.2, NM_001289397.2, NM_139045.4); short protein forms G195R.
Identifiers: ClinVar variation 1311059 (VCV001311059.2), dbSNP rs1201596045, ClinGen allele CA372780216.

ClinVar aggregate classification (germline): Uncertain significance (1 of 4 stars; one submission).

Submission:

GeneDx
Classification: Uncertain significance. Last evaluated: 2019-12-06. Review status: criteria provided, single submitter. Criteria: GeneDx Variant Classification Process June 2021. Collection method: clinical testing. Allele origin: germline. Affected: yes.
Comment: Not observed in large population cohorts (Lek et al., 2016); In silico analysis, which includes protein predictors and evolutionary conservation, supports a deleterious effect; Has not been previously published as pathogenic or benign to our knowledge